The following is an entry in ClinVar:

ClinVar aggregate classification (germline): Uncertain significance (1 of 4 stars; one submission).

Submission:

Labcorp Genetics (formerly Invitae), Labcorp
Classification: Uncertain significance. Last evaluated: 2022-11-09. Review status: criteria provided, single submitter. Criteria: Invitae Variant Classification Sherloc (09022015). Collection method: clinical testing. Allele origin: germline.
Comment: This sequence change replaces leucine, which is neutral and non-polar, with valine, which is neutral and non-polar, at codon 1515 of the POLE protein (p.Leu1515Val). In summary, the available evidence is currently insufficient to determine the role of this variant in disease. Therefore, it has been classified as a Variant of Uncertain Significance. Advanced modeling of protein sequence and biophysical properties (such as structural, functional, and spatial information, amino acid conservation, physicochemical variation, residue mobility, and thermodynamic stability) performed at Invitae indicates that this missense variant is not expected to disrupt POLE protein function. This variant has not been reported in the literature in individuals affected with POLE-related conditions. This variant is not present in population databases (gnomAD no frequency).

NM_006231.4(POLE):c.4543C>G (p.Leu1515Val)

Gene: POLE (DNA polymerase epsilon, catalytic subunit; minus strand). Cytogenetic location: 12q24.33.
Variant type: single nucleotide variant.
Coding change: c.4543C>G on transcript NM_006231.4 (MANE Select); coding-DNA position 4543, C replaced by G.
Protein change: p.Leu1515Val; replaces leucine 1515 with valine.
Molecular consequence: missense variant.
Genome position (GRCh38, 1-based): chr12:132,643,232, G>C on the plus strand (C>G on the coding strand, the complement: POLE is on the minus strand). VCF-style: chr12-132643232-G-C. GRCh37 (hg19) VCF-style: chr12-133219818-G-C.
Other names: short protein forms L1515V.
Identifiers: ClinVar variation 2813090 (VCV002813090.3), dbSNP rs2138546000, ClinGen allele CA387380301.